The following is an entry in ClinVar:

NM_001348041.4(BBS9):c.2690G>A (p.Ser897Asn)

Gene: BBS9 (Bardet-Biedl syndrome 9; plus strand). Cytogenetic location: 7p14.3.
Variant type: single nucleotide variant.
Coding change: c.2690G>A on transcript NM_001348041.4; coding-DNA position 2690, G replaced by A.
Protein change: p.Ser897Asn; replaces serine 897 with asparagine.
Molecular consequence: missense variant.
Genome position (GRCh38, 1-based): chr7:33,635,234, G>A. VCF-style: chr7-33635234-G-A. GRCh37 (hg19) VCF-style: chr7-33674846-G-A.
Other names: c.2579G>A, p.Ser860Asn (NM_001362679.1); short protein forms S860N, S897N.
Identifiers: ClinVar variation 3358070 (VCV003358070.1).
Genomic context (GRCh38, chr7:33,635,234, plus strand): 5'-CAGACCCCAGGACTGGACAGAGGATCGAGGCCTGGACCCTAAGAATACCCCACTCCCTGA[G>A]CCAGCATCTCCAGCTGATGGAGGGACCCAAAAGCTAAGCGGGGTCAATCAGACACCTTCC-3'

ClinVar aggregate classification (germline): Uncertain significance (0 of 4 stars; one submission).

Conditions:
BBS9-related disorder. Also called: BBS9-related condition.

Submission:

PreventionGenetics, part of Exact Sciences
Classification: Uncertain significance for BBS9-related condition. Last evaluated: 2024-07-05. Review status: no assertion criteria provided. Collection method: clinical testing. Allele origin: germline.
Comment: The BBS9 c.2690G>A variant is predicted to result in the amino acid substitution p.Ser897Asn. To our knowledge, this variant has not been reported in the literature or in a large population database, indicating this variant is rare. At this time, the clinical significance of this variant is uncertain due to the absence of conclusive functional and genetic evidence.